The following is an entry in ClinVar:

NM_014845.6(FIG4):c.1064A>G (p.His355Arg)

Gene: FIG4 (FIG4 phosphoinositide 5-phosphatase; plus strand). Cytogenetic location: 6q21.
Variant type: single nucleotide variant.
Coding change: c.1064A>G on transcript NM_014845.6 (MANE Select); coding-DNA position 1064, A replaced by G.
Protein change: p.His355Arg; replaces histidine 355 with arginine.
Molecular consequence: missense variant.
Genome position (GRCh38, 1-based): chr6:109,743,699, A>G. VCF-style: chr6-109743699-A-G. GRCh37 (hg19) VCF-style: chr6-110064902-A-G.
Other names: short protein forms H355R.
Identifiers: ClinVar variation 407088 (VCV000407088.8), dbSNP rs772356514, ClinGen allele CA3955977.

ClinVar aggregate classification (germline): Uncertain significance (1 of 4 stars; one submission).

Conditions:
Charcot-Marie-Tooth disease type 4. Also called: Charcot-Marie-Tooth disease, type IV; Charcot-Marie-Tooth, Type 4. Identifiers: Orphanet 64749, MedGen C4082197, MONDO:0018995.

Allele frequency attached by ClinVar (database versions not stated): gnomAD exomes below 0.00001; TOPMed below 0.00001; ExAC 0.00001; gnomAD 0.00001.
gnomAD v4.1: 6 of 1,612,768 alleles (0.00037%); highest among the groups gnomAD compares: East Asian, 0.0022%; no homozygotes.

Submission:

Labcorp Genetics (formerly Invitae), Labcorp
Classification: Uncertain significance for Charcot-Marie-Tooth disease type 4. Last evaluated: 2022-07-26. Review status: criteria provided, single submitter. Criteria: Invitae Variant Classification Sherloc (09022015). Collection method: clinical testing. Allele origin: germline.
Comment: This sequence change replaces histidine, which is basic and polar, with arginine, which is basic and polar, at codon 355 of the FIG4 protein (p.His355Arg). This variant is present in population databases (rs772356514, gnomAD 0.0009%). This variant has not been reported in the literature in individuals affected with FIG4-related conditions. ClinVar contains an entry for this variant (Variation ID: 407088). Algorithms developed to predict the effect of missense changes on protein structure and function (SIFT, PolyPhen-2, Align-GVGD) all suggest that this variant is likely to be tolerated. Algorithms developed to predict the effect of sequence changes on RNA splicing suggest that this variant may create or strengthen a splice site. In summary, the available evidence is currently insufficient to determine the role of this variant in disease. Therefore, it has been classified as a Variant of Uncertain Significance.